The following is an entry in ClinVar:

ClinVar aggregate classification (germline): Likely benign (1 of 4 stars; one submission).

Allele frequency attached by ClinVar (database versions not stated): gnomAD exomes 0.00001 and 0.00002; TOPMed 0.00001; ExAC 0.00004.
gnomAD v4.1: 8 of 1,597,724 alleles (0.0005%); highest among the groups gnomAD compares: Admixed American, 0.0034%; no homozygotes.

Submission:

GeneDx
Classification: Likely benign. Last evaluated: 2017-02-13. Review status: criteria provided, single submitter. Criteria: GeneDx Variant Classification (06012015). Collection method: clinical testing. Allele origin: germline. Affected: yes.
Comment: This variant is considered likely benign or benign based on one or more of the following criteria: it is a conservative change, it occurs at a poorly conserved position in the protein, it is predicted to be benign by multiple in silico algorithms, and/or has population frequency not consistent with disease.

NM_001267550.2(TTN):c.97492+14C>T

Genes: TTN (titin; minus strand), TTN-AS1 (TTN antisense RNA 1; plus strand). Cytogenetic location: 2q31.2.
Variant type: single nucleotide variant.
Coding change: c.97492+14C>T on transcript NM_001267550.2 (MANE Select); 14 bases into the intron after coding-DNA position 97492, C replaced by T.
Molecular consequence: intron variant. On other transcripts: non-coding transcript variant (1).
Genome position (GRCh38, 1-based): chr2:178,542,250, G>A on the plus strand (C>T on the coding strand, the complement: TTN is on the minus strand). VCF-style: chr2-178542250-G-A. GRCh37 (hg19) VCF-style: chr2-179406977-G-A.
Other names: c.70297+14C>T (NM_003319.4); c.70873+14C>T (NM_133437.4); c.70672+14C>T (NM_133432.3); c.89788+14C>T (NM_133378.4); c.92569+14C>T (NM_001256850.1).
Identifiers: ClinVar variation 507382 (VCV000507382.1), dbSNP rs755615084, ClinGen allele CA1986551.